The following is an entry in ClinVar:

ClinVar aggregate classification (germline): Pathogenic (1 of 4 stars; one submission).

Submission:

Labcorp Genetics (formerly Invitae), Labcorp
Classification: Pathogenic. Last evaluated: 2023-02-25. Review status: criteria provided, single submitter. Criteria: Invitae Variant Classification Sherloc (09022015). Collection method: clinical testing. Allele origin: germline.
Comment: This sequence change creates a premature translational stop signal (p.Trp69*) in the RXYLT1 gene. It is expected to result in an absent or disrupted protein product. Loss-of-function variants in RXYLT1 are known to be pathogenic (PMID: 23217329, 23519211, 31742715). This variant is not present in population databases (gnomAD no frequency). This variant has not been reported in the literature in individuals affected with RXYLT1-related conditions. For these reasons, this variant has been classified as Pathogenic.

Literature cited by the submitters: PubMed 23217329; PubMed 23519211; PubMed 31742715.

NM_014254.3(RXYLT1):c.207G>A (p.Trp69Ter)

Gene: RXYLT1 (ribitol xylosyltransferase 1; plus strand). Cytogenetic location: 12q14.2.
Variant type: single nucleotide variant.
Coding change: c.207G>A on transcript NM_014254.3 (MANE Select); coding-DNA position 207, G replaced by A.
Protein change: p.Trp69Ter; replaces tryptophan 69 with a stop codon.
Molecular consequence: nonsense. On other transcripts: 5 prime UTR variant (1).
Genome position (GRCh38, 1-based): chr12:63,781,056, G>A. VCF-style: chr12-63781056-G-A. GRCh37 (hg19) VCF-style: chr12-64174836-G-A.
Other names: c.-574G>A (NM_001278237.2); short protein forms W69*.
Identifiers: ClinVar variation 2781094 (VCV002781094.3), dbSNP rs1897670068, ClinGen allele CA385584163.